The following is an entry in ClinVar:

NM_005070.4(SLC4A3):c.2357_2374del (p.Asp786_Thr791del)

Gene: SLC4A3 (solute carrier family 4 member 3; plus strand). Cytogenetic location: 2q35.
Variant type: Deletion.
Coding change: c.2357_2374del on transcript NM_005070.4 (MANE Select); coding-DNA positions 2357 to 2374, 18 bases deleted (ACCTGGAGTACCTCACTG).
Protein change: p.Asp786_Thr791del.
Molecular consequence: inframe deletion. On other transcripts: non-coding transcript variant (1).
Genome position (GRCh38, 1-based): chr2:219,636,696-219,636,713, ACCTGGAGTACCTCACTG deleted; deleting any 18 consecutive bases within chr2:219,636,695-219,636,713 gives the same sequence; the c. name uses the placement nearest the transcript's 3' end. VCF-style (leftmost placement, unchanged base first): chr2-219636694-GGACCTGGAGTACCTCACT-G. GRCh37 (hg19) VCF-style: chr2-220501416-GGACCTGGAGTACCTCACT-G.
Other names: c.2438_2455del, p.Asp813_Thr818del (NM_001326559.2, NM_201574.3); c.2357_2374del, p.Asp786_Thr791del (NM_001438863.1); c.1763_1780del, p.Asp588_Thr593del (NM_001438864.1).
Identifiers: ClinVar variation 4280612 (VCV004280612.1).

ClinVar aggregate classification (germline): Uncertain significance (1 of 4 stars; one submission).

Conditions:
Incidental Discovery. Identifiers: MedGen C1135954.

Submission:

Clinical Genetics Laboratory, Skane University Hospital Lund
Classification: Uncertain significance for Incidental Discovery. Last evaluated: 2025-10-17. Review status: criteria provided, single submitter. Criteria: ACMG Guidelines, 2015. Collection method: clinical testing. Allele origin: germline. Affected: no.
Comment: ACMG-criteria applied: PM2, PM4.